The following is an entry in ClinVar:

NM_004006.3(DMD):c.446G>T (p.Arg149Leu)

Gene: DMD (dystrophin; minus strand). Cytogenetic location: Xp21.1.
Variant type: single nucleotide variant.
Coding change: c.446G>T on transcript NM_004006.3 (MANE Select); coding-DNA position 446, G replaced by T.
Protein change: p.Arg149Leu; replaces arginine 149 with leucine.
Molecular consequence: missense variant.
Genome position (GRCh38, 1-based): chrX:32,816,552, C>A on the plus strand (G>T on the coding strand, the complement: DMD is on the minus strand). VCF-style: chrX-32816552-C-A. GRCh37 (hg19) VCF-style: chrX-32834669-C-A.
Other names: c.422G>T, p.Arg141Leu (NM_000109.4); c.434G>T, p.Arg145Leu (NM_004009.3); c.77G>T, p.Arg26Leu (NM_004010.3); short protein forms R149L, R145L, R141L, R26L.
Identifiers: ClinVar variation 4739172 (VCV004739172.1).

ClinVar aggregate classification (germline): Uncertain significance (1 of 4 stars; one submission).

Conditions:
Duchenne muscular dystrophy (DMD). Also called: MUSCULAR DYSTROPHY, PSEUDOHYPERTROPHIC PROGRESSIVE, DUCHENNE TYPE; Duchenne Muscular Dystrophy (DMD). Identifiers: Orphanet 98896, MedGen C0013264, MONDO:0010679, OMIM 310200.

Submission:

Labcorp Genetics (formerly Invitae), Labcorp
Classification: Uncertain significance for Duchenne muscular dystrophy. Last evaluated: 2025-09-23. Review status: criteria provided, single submitter. Criteria: Invitae Variant Classification Sherloc (09022015). Collection method: clinical testing. Allele origin: germline.
Comment: This sequence change replaces arginine, which is basic and polar, with leucine, which is neutral and non-polar, at codon 149 of the DMD protein (p.Arg149Leu). This variant is not present in population databases (gnomAD no frequency). This variant has not been reported in the literature in individuals affected with DMD-related conditions. Invitae Evidence Modeling of protein sequence and biophysical properties (such as structural, functional, and spatial information, amino acid conservation, physicochemical variation, residue mobility, and thermodynamic stability) indicates that this missense variant is not expected to disrupt DMD protein function with a negative predictive value of 95%. In summary, the available evidence is currently insufficient to determine the role of this variant in disease. Therefore, it has been classified as a Variant of Uncertain Significance.